The following is an entry in ClinVar:

NM_000059.4(BRCA2):c.8029G>A (p.Glu2677Lys)

Gene: BRCA2 (BRCA2 DNA repair associated; plus strand). Cytogenetic location: 13q13.1.
Variant type: single nucleotide variant.
Coding change: c.8029G>A on transcript NM_000059.4 (MANE Select); coding-DNA position 8029, G replaced by A.
Protein change: p.Glu2677Lys; replaces glutamic acid 2677 with lysine.
Molecular consequence: missense variant.
Genome position (GRCh38, 1-based): chr13:32,363,231, G>A. VCF-style: chr13-32363231-G-A. GRCh37 (hg19) VCF-style: chr13-32937368-G-A.
Other names: short protein forms E2677K.
Identifiers: ClinVar variation 434529 (VCV000434529.10), dbSNP rs1555286958, ClinGen allele CA387748933.

ClinVar aggregate classification (germline): Uncertain significance. Review status: criteria provided, multiple submitters, no conflicts (2 of 4 stars). 2 submissions from 2 submitters: Uncertain significance (2). Last evaluated 2022-08-19.

Conditions:
Hereditary breast ovarian cancer syndrome. Also called: Hereditary breast and ovarian cancer syndrome (HBOC); Breast and ovarian cancer; BRCA1- and BRCA2-Associated Hereditary Breast and Ovarian Cancer; Hereditary breast and/or ovarian cancer syndrome; Hereditary breast and ovarian cancer; Hereditary breast and ovarian cancer syndrome. Identifiers: Orphanet 145, MedGen C0677776, MeSH D061325, MONDO:0003582. Disease mechanism: loss of function.

Submissions (2):

Labcorp Genetics (formerly Invitae), Labcorp
Classification: Uncertain significance for Hereditary breast ovarian cancer syndrome. Last evaluated: 2022-08-19. Review status: criteria provided, single submitter. Criteria: Invitae Variant Classification Sherloc (09022015). Collection method: clinical testing. Allele origin: germline.
Comment: In summary, the available evidence is currently insufficient to determine the role of this variant in disease. Therefore, it has been classified as a Variant of Uncertain Significance. Algorithms developed to predict the effect of missense changes on protein structure and function (SIFT, PolyPhen-2, Align-GVGD) all suggest that this variant is likely to be disruptive. ClinVar contains an entry for this variant (Variation ID: 434529). This variant has not been reported in the literature in individuals affected with BRCA2-related conditions. This variant is not present in population databases (gnomAD no frequency). This sequence change replaces glutamic acid, which is acidic and polar, with lysine, which is basic and polar, at codon 2677 of the BRCA2 protein (p.Glu2677Lys).

Genetic Services Laboratory, University of Chicago
Classification: Uncertain significance. Last evaluated: 2016-06-22. Review status: criteria provided, single submitter. Criteria: ACMG Guidelines, 2015. Collection method: clinical testing. Allele origin: germline. Affected: no.